The following is an entry in ClinVar:

NM_020975.6(RET):c.2029C>T (p.Arg677Trp)

Gene: RET (ret proto-oncogene; plus strand). Cytogenetic location: 10q11.21.
Variant type: single nucleotide variant.
Coding change: c.2029C>T on transcript NM_020975.6 (MANE Select); coding-DNA position 2029, C replaced by T.
Protein change: p.Arg677Trp; replaces arginine 677 with tryptophan.
Molecular consequence: missense variant.
Genome position (GRCh38, 1-based): chr10:43,114,629, C>T. VCF-style: chr10-43114629-C-T. GRCh37 (hg19) VCF-style: chr10-43610077-C-T.
Other names: c.2029C>T, p.Arg677Trp (NM_000323.2, NM_001406743.1, NM_001406744.1 and 4 more transcripts); c.1267C>T, p.Arg423Trp (NM_001355216.2); c.1900C>T, p.Arg634Trp (NM_001406761.1, NM_001406762.1, NM_001406764.1); c.1894C>T, p.Arg632Trp (NM_001406763.1, NM_001406765.1); c.1741C>T, p.Arg581Trp (NM_001406766.1, NM_001406767.1, NM_001406770.1); c.1765C>T, p.Arg589Trp (NM_001406768.1); c.1633C>T, p.Arg545Trp (NM_001406769.1, NM_001406772.1); c.1591C>T, p.Arg531Trp (NM_001406771.1, NM_001406773.1); and 10 more; short protein forms R423W, R677W, R282W, R333W, R502W, R634W, R335W, R338W.
Identifiers: ClinVar variation 949163 (VCV000949163.14), dbSNP rs1432069386, ClinGen allele CA376553169.
Genomic context (GRCh38, chr10:43,114,629, plus strand): 5'-ATCCACTGCTACCACAAGTTTGCCCACAAGCCACCCATCTCCTCAGCTGAGATGACCTTC[C>T]GGAGGCCCGCCCAGGCCTTCCCGGTCAGCTACTCCTCTTCCGGTGCCCGCCGGCCCTCGC-3'
Protein context (NP_066124.1, residues 667-687): PPISSAEMTF[Arg677Trp]RPAQAFPVSY

ClinVar aggregate classification (germline): Uncertain significance. Review status: criteria provided, multiple submitters, no conflicts (2 of 4 stars). 3 submissions from 3 submitters: Uncertain significance (3). Last evaluated 2023-08-08.

Conditions:
Multiple endocrine neoplasia, type 2 (MEN2). Identifiers: Orphanet 653, MedGen C4048306, MONDO:0019003. Disease mechanism: gain of function.
Hereditary cancer-predisposing syndrome. Also called: Hereditary neoplastic syndrome; Neoplastic Syndromes, Hereditary; Tumor predisposition; Hereditary Cancer Syndrome. Identifiers: Orphanet 140162, MedGen C0027672, MeSH D009386, MONDO:0015356.

gnomAD v4.1: 1 of 1,613,044 alleles (0.000062%); highest among the groups gnomAD compares: Non-Finnish European, 0.000085%; no homozygotes.

Submissions (3):

All of Us Research Program, National Institutes of Health
Classification: Uncertain significance for Multiple endocrine neoplasia, type 2. Last evaluated: 2023-08-08. Review status: criteria provided, single submitter. Criteria: ACMG Guidelines, 2015. Collection method: clinical testing. Allele origin: germline. Inheritance: Autosomal dominant inheritance. Observed: 1 variant allele, 1 heterozygote.
Comment: This missense variant replaces arginine with tryptophan at codon 677 of the RET protein. Computational prediction is inconclusive regarding the impact of this variant on protein structure and function (internally defined REVEL score threshold 0.5 < inconclusive < 0.7, PMID: 27666373). To our knowledge, functional studies have not been reported for this variant. This variant has not been reported in individuals affected with RET-related disorders in the literature. This variant has been identified in 1/250706 chromosomes in the general population by the Genome Aggregation Database (gnomAD). The available evidence is insufficient to determine the role of this variant in disease conclusively. Therefore, this variant is classified as a Variant of Uncertain Significance.

This study involves interpretation of variants in research participants for the purpose of population health screening. Participant phenotype was not available at the time of variant classification. Additional details can be found in publication PMID: 35346344, PMCID: PMC8962531

Ambry Genetics
Classification: Uncertain significance for Hereditary cancer-predisposing syndrome. Last evaluated: 2021-06-21. Review status: criteria provided, single submitter. Criteria: Ambry Variant Classification Scheme 2023. Collection method: clinical testing. Allele origin: germline.
Comment: The p.R677W variant (also known as c.2029C>T), located in coding exon 11 of the RET gene, results from a C to T substitution at nucleotide position 2029. The arginine at codon 677 is replaced by tryptophan, an amino acid with dissimilar properties. This amino acid position is not well conserved in available vertebrate species. In addition, the in silico prediction for this alteration is inconclusive. Since supporting evidence is limited at this time, the clinical significance of this alteration remains unclear.

Labcorp Genetics (formerly Invitae), Labcorp
Classification: Uncertain significance for Multiple endocrine neoplasia, type 2. Last evaluated: 2020-11-05. Review status: criteria provided, single submitter. Criteria: Invitae Variant Classification Sherloc (09022015). Collection method: clinical testing. Allele origin: germline.
Comment: This sequence change replaces arginine with tryptophan at codon 677 of the RET protein (p.Arg677Trp). The arginine residue is moderately conserved and there is a moderate physicochemical difference between arginine and tryptophan. This variant is not present in population databases (ExAC no frequency). This variant has not been reported in the literature in individuals with RET-related conditions. Algorithms developed to predict the effect of missense changes on protein structure and function are either unavailable or do not agree on the potential impact of this missense change (SIFT: "Deleterious"; PolyPhen-2: "Possibly Damaging"; Align-GVGD: "Class C0"). In summary, the available evidence is currently insufficient to determine the role of this variant in disease. Therefore, it has been classified as a Variant of Uncertain Significance.